The following is an entry in ClinVar:

NM_004370.6(COL12A1):c.3325C>G (p.Pro1109Ala)

Gene: COL12A1 (collagen type XII alpha 1 chain; minus strand). Cytogenetic location: 6q13.
Variant type: single nucleotide variant.
Coding change: c.3325C>G on transcript NM_004370.6 (MANE Select); coding-DNA position 3325, C replaced by G.
Protein change: p.Pro1109Ala; replaces proline 1109 with alanine.
Molecular consequence: missense variant. On other transcripts: intron variant (1).
Genome position (GRCh38, 1-based): chr6:75,155,780, G>C on the plus strand (C>G on the coding strand, the complement: COL12A1 is on the minus strand). VCF-style: chr6-75155780-G-C. GRCh37 (hg19) VCF-style: chr6-75865496-G-C.
Other names: c.74-3298C>G (NM_080645.3); short protein forms P1109A.
Identifiers: ClinVar variation 451442 (VCV000451442.14), dbSNP rs528319887, ClinGen allele CA3893752.

ClinVar aggregate classification (germline): Conflicting classifications of pathogenicity. Review status: criteria provided, conflicting classifications (1 of 4 stars). 4 submissions from 4 submitters: Uncertain significance (3); Likely benign (1). Last evaluated 2025-12-10.

Conditions:
Bethlem myopathy 2 (BTHLM2). Identifiers: Orphanet 536516, Orphanet 610, MedGen C4225313, MONDO:0034022, OMIM 616471.
Ullrich congenital muscular dystrophy 2 (UCMD2). Identifiers: Orphanet 75840, MedGen C4225314, MONDO:0014654, OMIM 616470.

Allele frequency attached by ClinVar (database versions not stated): gnomAD exomes 0.00001 and 0.00004; ExAC 0.00003; gnomAD 0.00008 and 0.00009; TOPMed 0.00009; 1000 Genomes Project 30x 0.00016; 1000 Genomes Project 0.00020.
gnomAD v4.1: 22 of 1,613,526 alleles (0.0014%); highest among the groups gnomAD compares: African/African-American, 0.028%; no homozygotes.

Submissions (4):

Women's Health and Genetics/Laboratory Corporation of America, LabCorp
Classification: Uncertain significance. Last evaluated: 2025-12-10. Review status: criteria provided, single submitter. Criteria: LabCorp Variant Classification Summary - May 2015. Collection method: clinical testing. Allele origin: germline.
Comment: Variant summary: COL12A1 c.3325C>G (p.Pro1109Ala) results in a non-conservative amino acid change in the encoded protein sequence. Algorithms developed to predict the effect of missense changes on protein structure and function are either unavailable or do not agree on the potential impact of this missense change. The variant allele was found at a frequency of 4e-05 in 248864 control chromosomes. This frequency is not significantly higher than estimated for disease-causing variants in COL12A1, allowing no conclusion about variant significance. To our knowledge, no occurrence of c.3325C>G in individuals affected with COL12A1-related conditions and no experimental evidence demonstrating its impact on protein function have been reported. ClinVar contains an entry for this variant (Variation ID: 451442). Based on the evidence outlined above, the variant was classified as uncertain significance.

Labcorp Genetics (formerly Invitae), Labcorp
Classification: Likely benign for Bethlem myopathy 2; Ullrich congenital muscular dystrophy 2. Last evaluated: 2023-11-12. Review status: criteria provided, single submitter. Criteria: Invitae Variant Classification Sherloc (09022015). Collection method: clinical testing. Allele origin: germline.

Revvity Omics, Revvity
Classification: Uncertain significance. Last evaluated: 2019-04-05. Review status: criteria provided, single submitter. Criteria: ACMG Guidelines, 2015. Collection method: clinical testing. Allele origin: germline.

GeneDx
Classification: Uncertain significance. Last evaluated: 2017-08-28. Review status: criteria provided, single submitter. Criteria: GeneDx Variant Classification (06012015). Collection method: clinical testing. Allele origin: germline. Affected: yes.
Comment: The P1109A variant in the COL12A1 gene has not been reported previously as a pathogenic variant, nor as a benign variant, to our knowledge. The P1109A variant is not observed at a significant frequency in large population cohorts (Lek et al., 2016; 1000 Genomes Consortium et al., 2015; Exome Variant Server). The P1109A variant is a semi-conservative amino acid substitution, which occurs at a position that is not conserved. In silico analysis is inconsistent in its predictions as to whether or not the variant is damaging to the protein structure/function. We interpret P1109A as a variant of uncertain significance.